The following is an entry in ClinVar:

ClinVar aggregate classification (germline): Uncertain significance. Review status: criteria provided, multiple submitters, no conflicts (2 of 4 stars). 2 submissions from 2 submitters: Uncertain significance (2). Last evaluated 2024-08-12.

Conditions:
Inborn genetic diseases. Identifiers: MedGen C0950123, MeSH D030342.

Allele frequency attached by ClinVar (database versions not stated): TOPMed 0.00001; gnomAD 0.00002; gnomAD exomes 0.00002.
gnomAD v4.1: 35 of 1,609,878 alleles (0.0022%); highest among the groups gnomAD compares: Non-Finnish European, 0.0029%; no homozygotes.

Submissions (2):

Ambry Genetics
Classification: Uncertain significance for Inborn genetic diseases. Last evaluated: 2024-08-12. Review status: criteria provided, single submitter. Criteria: Ambry Variant Classification Scheme 2023. Collection method: clinical testing. Allele origin: germline.

Labcorp Genetics (formerly Invitae), Labcorp
Classification: Uncertain significance. Last evaluated: 2022-07-25. Review status: criteria provided, single submitter. Criteria: Invitae Variant Classification Sherloc (09022015). Collection method: clinical testing. Allele origin: germline.
Comment: This sequence change replaces aspartic acid, which is acidic and polar, with asparagine, which is neutral and polar, at codon 498 of the EYS protein (p.Asp498Asn). This variant is present in population databases (no rsID available, gnomAD 0.007%). This variant has not been reported in the literature in individuals affected with EYS-related conditions. Algorithms developed to predict the effect of missense changes on protein structure and function output the following: SIFT: "Deleterious"; PolyPhen-2: "Benign"; Align-GVGD: "Class C15". The asparagine amino acid residue is found in multiple mammalian species, which suggests that this missense change does not adversely affect protein function. In summary, the available evidence is currently insufficient to determine the role of this variant in disease. Therefore, it has been classified as a Variant of Uncertain Significance.

NM_001142800.2(EYS):c.1492G>A (p.Asp498Asn)

Gene: EYS (eyes shut homolog; minus strand). Cytogenetic location: 6q12.
Variant type: single nucleotide variant.
Coding change: c.1492G>A on transcript NM_001142800.2 (MANE Select); coding-DNA position 1492, G replaced by A.
Protein change: p.Asp498Asn; replaces aspartic acid 498 with asparagine.
Molecular consequence: missense variant.
Genome position (GRCh38, 1-based): chr6:65,344,145, C>T on the plus strand (G>A on the coding strand, the complement: EYS is on the minus strand). VCF-style: chr6-65344145-C-T. GRCh37 (hg19) VCF-style: chr6-66054038-C-T.
Other names: c.1492G>A, p.Asp498Asn (NM_001142801.2, NM_001292009.2, NM_198283.2); c.1492G>A (NM_001142800.1); short protein forms D498N.
Identifiers: ClinVar variation 2164177 (VCV002164177.2), dbSNP rs927104465, ClinGen allele CA139837435.